The following is an entry in ClinVar:

NM_000030.3(AGXT):c.795dup (p.Val266fs)

Gene: AGXT (alanine--glyoxylate aminotransferase; plus strand). Cytogenetic location: 2q37.3.
Variant type: Duplication.
Coding change: c.795dup on transcript NM_000030.3 (MANE Select); coding-DNA position 795, one base duplicated (C; older notation c.795dupC).
Protein change: p.Val266fs; shifts the reading frame from valine 266.
Molecular consequence: frameshift variant.
Genome position (GRCh38, 1-based): chr2:240,875,953, C duplicated; the last of 4 consecutive C bases (chr2:240,875,950-240,875,953); duplicating any one gives the same sequence. VCF-style (leftmost placement, unchanged base first): chr2-240875949-T-TC. GRCh37 (hg19) VCF-style: chr2-241815366-T-TC.
Other names: short protein forms V266fs.
Identifiers: ClinVar variation 5006260 (VCV005006260.2).

ClinVar aggregate classification (germline): Likely pathogenic (1 of 4 stars; one submission).

Conditions:
Primary hyperoxaluria, type I (HP1). Also called: OXALOSIS I; Primary hyperoxaluria type 1; GLYCOLIC ACIDURIA; HEPATIC AGT DEFICIENCY. Identifiers: Orphanet 416, Orphanet 93598, MedGen C0268164, MONDO:0009823, OMIM 259900. Disease mechanism: loss of function.

Submission:

Juno Genomics, Hangzhou Juno Genomics, Inc
Classification: Likely pathogenic for Primary hyperoxaluria, type I. Review status: criteria provided, single submitter. Criteria: ACMG Guidelines, 2015. Collection method: clinical testing. Allele origin: germline.
Comment: Null variant in a gene where loss of function (LOF) is a known mechanism of disease.;Absent from controls (or at extremely low frequency if recessive) in Genome Aggregation Database.